The following is an entry in ClinVar:

NM_001379291.1(BRD4):c.3736G>A (p.Glu1246Lys)

Gene: BRD4 (bromodomain containing 4; minus strand). Cytogenetic location: 19p13.12.
Variant type: single nucleotide variant.
Coding change: c.3736G>A on transcript NM_001379291.1 (MANE Select); coding-DNA position 3736, G replaced by A.
Protein change: p.Glu1246Lys; replaces glutamic acid 1246 with lysine.
Molecular consequence: missense variant.
Genome position (GRCh38, 1-based): chr19:15,239,105, C>T on the plus strand (G>A on the coding strand, the complement: BRD4 is on the minus strand). VCF-style: chr19-15239105-C-T. GRCh37 (hg19) VCF-style: chr19-15349916-C-T.
Other names: c.3736G>A, p.Glu1246Lys (NM_058243.3); short protein forms E1246K.
Identifiers: ClinVar variation 2792816 (VCV002792816.3), dbSNP rs1226412060, ClinGen allele CA404497412.

ClinVar aggregate classification (germline): Uncertain significance (1 of 4 stars; one submission).

gnomAD v4.1: 2 of 1,608,084 alleles (0.00012%); highest among the groups gnomAD compares: Non-Finnish European, 0.00017%; no homozygotes.

Submission:

Labcorp Genetics (formerly Invitae), Labcorp
Classification: Uncertain significance. Last evaluated: 2023-08-30. Review status: criteria provided, single submitter. Criteria: Invitae Variant Classification Sherloc (09022015). Collection method: clinical testing. Allele origin: germline.
Comment: This sequence change replaces glutamic acid, which is acidic and polar, with lysine, which is basic and polar, at codon 1246 of the BRD4 protein (p.Glu1246Lys). This variant is not present in population databases (gnomAD no frequency). This variant has not been reported in the literature in individuals affected with BRD4-related conditions. An algorithm developed to predict the effect of missense changes on protein structure and function (PolyPhen-2) suggests that this variant is likely to be tolerated. In summary, the available evidence is currently insufficient to determine the role of this variant in disease. Therefore, it has been classified as a Variant of Uncertain Significance.